The following is an entry in ClinVar:

NM_000145.4(FSHR):c.1022T>C (p.Val341Ala)

Gene: FSHR (follicle stimulating hormone receptor; minus strand). Cytogenetic location: 2p16.3.
Variant type: single nucleotide variant.
Coding change: c.1022T>C on transcript NM_000145.4 (MANE Select); coding-DNA position 1022, T replaced by C.
Protein change: p.Val341Ala; replaces valine 341 with alanine.
Molecular consequence: missense variant.
Genome position (GRCh38, 1-based): chr2:48,963,799, A>G on the plus strand (T>C on the coding strand, the complement: FSHR is on the minus strand). VCF-style: chr2-48963799-A-G. GRCh37 (hg19) VCF-style: chr2-49190938-A-G.
Other names: c.944T>C, p.Val315Ala (NM_181446.3); short protein forms V341A, V315A.
Identifiers: ClinVar variation 898832 (VCV000898832.4), dbSNP rs139226976, ClinGen allele CA1653728.

ClinVar aggregate classification (germline): Conflicting classifications of pathogenicity. Review status: criteria provided, conflicting classifications (1 of 4 stars). 2 submissions from 1 submitter: Uncertain significance (1); Benign (1). Last evaluated 2017-04-27.

Conditions:
Ovarian hyperstimulation syndrome (OHSS). Also called: OVARIAN HYPERSTIMULATION SYNDROME, FAMILIAL GESTATIONAL SPONTANEOUS. Identifiers: Orphanet 64739, MedGen C0085083, MONDO:0011972, OMIM 608115.
Ovarian dysgenesis 1 (ODG1). Also called: GONADAL DYSGENESIS, XX TYPE; OVARIAN DYSGENESIS, HYPERGONADOTROPIC, AUTOSOMAL RECESSIVE; OVARIAN DYSGENESIS, HYPERGONADOTROPIC, WITH NORMAL KARYOTYPE; OVARIAN FAILURE, HYPERGONADOTROPIC; Gonadal dysgenesis XX type deafness. Identifiers: Orphanet 243, MedGen C0949595, MONDO:0024463, OMIM 233300.

Allele frequency attached by ClinVar (database versions not stated): 1000 Genomes Project 0.00020; 1000 Genomes Project 30x 0.00031; ExAC 0.00042; gnomAD exomes 0.00051 and 0.00094; gnomAD 0.00060 and 0.00061; TOPMed 0.00065; ESP Exome Variant Server 0.00077.
gnomAD v4.1: 1,449 of 1,614,100 alleles (0.09%); highest among the groups gnomAD compares: Non-Finnish European, 0.11%; 1 homozygote.

Submissions (2):

Illumina Laboratory Services, Illumina
Classification: Uncertain significance for Ovarian dysgenesis 1. Last evaluated: 2017-04-27. Review status: criteria provided, single submitter. Criteria: ICSL Variant Classification Criteria 13 December 2019. Collection method: clinical testing. Allele origin: germline.
Comment: This variant was observed as part of a predisposition screen in an ostensibly healthy population. A literature search was performed for the gene, cDNA change, and amino acid change (where applicable). Publications were found based on this search. However, the evidence from the literature, in combination with allele frequency data from public databases where available, was not sufficient to rule this variant in or out of causing disease. Therefore, this variant is classified as a variant of unknown significance.

Illumina Laboratory Services, Illumina
Classification: Benign for Ovarian hyperstimulation syndrome. Last evaluated: 2017-04-27. Review status: criteria provided, single submitter. Criteria: ICSL Variant Classification Criteria 13 December 2019. Collection method: clinical testing. Allele origin: germline.
Comment: This variant was observed as part of a predisposition screen in an ostensibly healthy population. A literature search was performed for the gene, cDNA change, and amino acid change (where applicable). Publications were found based on this search. The evidence from the literature, in combination with allele frequency data from public databases where available, was sufficient to rule this variant out of causing disease. Therefore, this variant is classified as benign.

Literature cited by the submitters: PubMed 23419799; PubMed 15249125; PubMed 10022448.